The following is an entry in ClinVar:

NM_005334.3(HCFC1):c.1085-22C>G

Gene: HCFC1 (host cell factor C1; minus strand). Cytogenetic location: Xq28.
Variant type: single nucleotide variant.
Coding change: c.1085-22C>G on transcript NM_005334.3 (MANE Select); 22 bases into the intron before coding-DNA position 1085, C replaced by G.
Molecular consequence: intron variant.
Genome position (GRCh38, 1-based): chrX:153,960,183, G>C on the plus strand (C>G on the coding strand, the complement: HCFC1 is on the minus strand). VCF-style: chrX-153960183-G-C. GRCh37 (hg19) VCF-style: chrX-153225634-G-C.
Other names: p.?.
Identifiers: ClinVar variation 676217 (VCV000676217.5), dbSNP rs17421, ClinGen allele CA10557554.

ClinVar aggregate classification (germline): Benign. Review status: criteria provided, multiple submitters, no conflicts (2 of 4 stars). 4 submissions from 4 submitters: Benign (4). Last evaluated 2021-11-19.

Conditions:
Methylmalonic acidemia with homocystinuria, type cblX (MAHCX). Also called: INTELLECTUAL DEVELOPMENTAL DISORDER, X-LINKED 3. Identifiers: Orphanet 369962, MedGen C0796208, MONDO:0010657, OMIM 309541.

Allele frequency attached by ClinVar (database versions not stated): ExAC 0.34675; ESP Exome Variant Server 0.14934; gnomAD 0.20984 and 0.19150; 1000 Genomes Project 0.40291; gnomAD exomes 0.21586; 1000 Genomes Project 30x 0.39313; TOPMed 0.23031.
gnomAD v4.1: 260,174 of 1,198,814 alleles (22%); highest among the groups gnomAD compares: East Asian, 75%; 26,825 homozygotes.

Submissions (4):

Mayo Clinic Laboratories, Mayo Clinic
Classification: Benign. Last evaluated: 2021-11-19. Review status: criteria provided, single submitter. Criteria: ACMG Guidelines, 2015. Collection method: clinical testing. Allele origin: germline. Observed: 33 variant alleles.

Genome-Nilou Lab
Classification: Benign for Methylmalonic acidemia with homocystinuria, type cblX. Last evaluated: 2021-08-10. Review status: criteria provided, single submitter. Criteria: ACMG Guidelines, 2015. Collection method: clinical testing. Allele origin: germline. Affected: no.

GeneDx
Classification: Benign. Last evaluated: 2018-06-14. Review status: criteria provided, single submitter. Criteria: GeneDx Variant Classification (06012015). Collection method: clinical testing. Allele origin: germline. Affected: yes.
Comment: This variant is considered likely benign or benign based on one or more of the following criteria: it is a conservative change, it occurs at a poorly conserved position in the protein, it is predicted to be benign by multiple in silico algorithms, and/or has population frequency not consistent with disease.

Breakthrough Genomics
Classification: Benign. Review status: criteria provided, single submitter. Criteria: ACMG Guidelines, 2015. Collection method: not provided. Allele origin: germline. Inheritance: X-linked inheritance. Affected: yes.